The following is an entry in ClinVar:

NM_020975.6(RET):c.3055G>A (p.Ala1019Thr)

Gene: RET (ret proto-oncogene; plus strand). Cytogenetic location: 10q11.21.
Variant type: single nucleotide variant.
Coding change: c.3055G>A on transcript NM_020975.6 (MANE Select); coding-DNA position 3055, G replaced by A.
Protein change: p.Ala1019Thr; replaces alanine 1019 with threonine.
Molecular consequence: missense variant.
Genome position (GRCh38, 1-based): chr10:43,126,590, G>A. VCF-style: chr10-43126590-G-A. GRCh37 (hg19) VCF-style: chr10-43622038-G-A.
Other names: c.2293G>A, p.Ala765Thr (NM_001355216.2); c.3055G>A, p.Ala1019Thr (NM_001406743.1, NM_001406744.1, NM_001406759.1 and 2 more transcripts); c.2926G>A, p.Ala976Thr (NM_001406761.1, NM_001406762.1, NM_001406764.1); c.2920G>A, p.Ala974Thr (NM_001406763.1, NM_001406765.1); c.2767G>A, p.Ala923Thr (NM_001406766.1, NM_001406767.1, NM_001406770.1); c.2791G>A, p.Ala931Thr (NM_001406768.1); c.2659G>A, p.Ala887Thr (NM_001406769.1, NM_001406772.1); c.2617G>A, p.Ala873Thr (NM_001406771.1, NM_001406773.1); and 10 more; short protein forms A680T, A536T, A675T, A720T, A931T, A1019T, A624T, A777T.
Identifiers: ClinVar variation 4728539 (VCV004728539.1).

ClinVar aggregate classification (germline): Uncertain significance (1 of 4 stars; one submission).

Conditions:
Multiple endocrine neoplasia, type 2 (MEN2). Identifiers: Orphanet 653, MedGen C4048306, MONDO:0019003. Disease mechanism: gain of function.

Submission:

Labcorp Genetics (formerly Invitae), Labcorp
Classification: Uncertain significance for Multiple endocrine neoplasia, type 2. Last evaluated: 2025-10-06. Review status: criteria provided, single submitter. Criteria: Invitae Variant Classification Sherloc (09022015). Collection method: clinical testing. Allele origin: germline.
Comment: This sequence change replaces alanine, which is neutral and non-polar, with threonine, which is neutral and polar, at codon 1019 of the RET protein (p.Ala1019Thr). This variant is not present in population databases (gnomAD no frequency). This variant has not been reported in the literature in individuals affected with RET-related conditions. An algorithm developed to predict the effect of missense changes on protein structure and function (PolyPhen-2) suggests that this variant is likely to be tolerated. In summary, the available evidence is currently insufficient to determine the role of this variant in disease. Therefore, it has been classified as a Variant of Uncertain Significance.